The following is an entry in ClinVar:

ClinVar aggregate classification (germline): Conflicting classifications of pathogenicity. Review status: criteria provided, conflicting classifications (1 of 4 stars). 6 submissions from 6 submitters: Pathogenic (4); Likely pathogenic (1); Uncertain significance (1). Last evaluated 2026-09-17.

Conditions:
ARSA-related disorder. Also called: ARSA-related condition.
Inborn genetic diseases. Identifiers: MedGen C0950123, MeSH D030342.
Metachromatic leukodystrophy (MLD). Also called: Cerebral sclerosis diffuse metachromatic form; Arylsulfatase A Deficiency; ARSA DEFICIENCY; CEREBROSIDE SULFATASE DEFICIENCY; METACHROMATIC LEUKOENCEPHALOPATHY; SULFATIDE LIPIDOSIS. Identifiers: Orphanet 512, MedGen C0023522, MONDO:0018868, OMIM 250100.

Allele frequency attached by ClinVar (database versions not stated): gnomAD exomes 0.00001.

Submissions (7):

Laboratory of Experimental Gene Therapy of Hereditary Metabolic Diseases, Research Centre for Medical Genetics
Classification: Pathogenic for Metachromatic leukodystrophy. Last evaluated: 2026-09-17. Review status: criteria provided, single submitter. Criteria: ARSA MLD Assertion Criteria V2 2026 09 18. Collection method: clinical testing. Allele origin: germline. Inheritance: Autosomal recessive inheritance. Affected: yes. Observed: 2 variant alleles, 2 compound heterozygotes.
Comment: The previously reported Pathogenic classification was reviewed and retained for the accompanying study. External ClinVar record reviewed: VCV001048519.11. Observations from the present referral series were not used to establish pathogenicity.

Natera, Inc.
Classification: Likely pathogenic for Metachromatic leukodystrophy. Last evaluated: 2025-05-12. Review status: criteria provided, single submitter. Criteria: Natera Variant Classification Schema (03/2026). Collection method: clinical testing. Allele origin: germline.
Comment: The c.901C>T variant in ARSA is a missense variant predicted to cause substitution of arginine to tryptophan at amino acid 301. This variant is rare in the general population with a frequency below the threshold expected for the associated phenotype(s). This variant has been observed in one or more individuals affected with the associated recessive disease, as either homozygous or compound heterozygous with a second variant (PMID: 30674982, 26462614, 33726816). Functional studies show that this variant may disrupt protein function (PMID: 30674982). Computational prediction algorithms indicate this variant is likely to affect gene or protein function. Given the available evidence, this variant is classified as Likely Pathogenic.

Labcorp Genetics (formerly Invitae), Labcorp
Classification: Pathogenic for Metachromatic leukodystrophy. Last evaluated: 2023-01-18. Review status: criteria provided, single submitter. Criteria: Invitae Variant Classification Sherloc (09022015). Collection method: clinical testing. Allele origin: germline.
Comment: ClinVar contains an entry for this variant (Variation ID: 1048519). This sequence change replaces arginine, which is basic and polar, with tryptophan, which is neutral and slightly polar, at codon 301 of the ARSA protein (p.Arg301Trp). The frequency data for this variant in the population databases is considered unreliable, as metrics indicate poor data quality at this position in the gnomAD database. This missense change has been observed in individual(s) with metachromatic leukodystrophy (PMID: 12809637, 26462614, 30674982). This variant is also known as R299W. Advanced modeling of protein sequence and biophysical properties (such as structural, functional, and spatial information, amino acid conservation, physicochemical variation, residue mobility, and thermodynamic stability) performed at Invitae indicates that this missense variant is expected to disrupt ARSA protein function. This variant disrupts the p.Arg301 amino acid residue in ARSA. Other variant(s) that disrupt this residue have been observed in individuals with ARSA-related conditions (PMID: 30674982, 33335837), which suggests that this may be a clinically significant amino acid residue. For these reasons, this variant has been classified as Pathogenic.

Ambry Genetics
Classification: Uncertain significance for Inborn genetic diseases. Last evaluated: 2021-11-05. Review status: criteria provided, single submitter. Criteria: Ambry Variant Classification Scheme 2023. Collection method: clinical testing. Allele origin: germline.

Centre for Inherited Metabolic Diseases, Karolinska University Hospital
Classification: Pathogenic for Metachromatic leukodystrophy. Last evaluated: 2021-03-25. Review status: criteria provided, single submitter. Criteria: ACMG Guidelines, 2015. Collection method: clinical testing. Allele origin: germline. Inheritance: Autosomal recessive inheritance. Affected: yes. Observed: 1 compound heterozygote.

Blueprint Genetics
Classification: Pathogenic for ARSA-related disorders. Last evaluated: 2021-02-02. Review status: criteria provided, single submitter. Criteria: ACMG Guidelines, 2015. Collection method: clinical testing. Allele origin: germline. Affected: yes. Observed: 1 variant allele.

Gelb Laboratory, University of Washington
No classification provided (evidence only). Condition: Metachromatic leukodystrophy. Review status: no classification provided. Collection method: in vitro. Allele origin: not applicable. Functional consequence: loss of function. Not counted in ClinVar's aggregate classification.

Literature cited by the submitters: PubMed 30674982 (cited by 3 submitters); PubMed 26462614 (cited by 3 submitters); PubMed 33726816 (cited by Natera, Inc.); PubMed 12809637 (cited by Labcorp Genetics (formerly Invitae), Labcorp and Ambry Genetics); PubMed 33335837 (cited by Labcorp Genetics (formerly Invitae), Labcorp).

NM_000487.6(ARSA):c.901C>T (p.Arg301Trp)

Gene: ARSA (arylsulfatase A; minus strand). Cytogenetic location: 22q13.33.
Variant type: single nucleotide variant.
Coding change: c.901C>T on transcript NM_000487.6 (MANE Select); coding-DNA position 901, C replaced by T.
Protein change: p.Arg301Trp; replaces arginine 301 with tryptophan.
Molecular consequence: missense variant.
Genome position (GRCh38, 1-based): chr22:50,626,232, G>A on the plus strand (C>T on the coding strand, the complement: ARSA is on the minus strand). VCF-style: chr22-50626232-G-A. GRCh37 (hg19) VCF-style: chr22-51064660-G-A.
Other names: NP_000478.3:p.(Arg301Trp); c.901C>T, p.Arg301Trp (NM_001085425.3, NM_001085426.3, NM_001085427.3); c.643C>T, p.Arg215Trp (NM_001085428.3, NM_001362782.2); c.901C>T (NM_000487.5); short protein forms R215W, R301W.
Identifiers: ClinVar variation 1048519 (VCV001048519.14), dbSNP rs794727704, ClinGen allele CA412174765.
Genomic context (GRCh38, chr22:50,626,232, plus strand): 5'-GCCAGAAGGCCAAGGCAGGCTCTCGGACACCGCCCTCGTAGGTCGTTCCCTTTCCACACC[G>A]CAAGAGACCGGAGCAGCCGCCTCGGGACATACGCATGGTCTCAGGTCTGGGACACAGGAG-3'
Protein context (NP_000478.3, residues 291-311): MSRGGCSGLL[Arg301Trp]CGKGTTYEGG